The following is an entry in ClinVar:

ClinVar aggregate classification (germline): Uncertain significance (1 of 4 stars; one submission).

Submission:

Ambry Genetics
Classification: Uncertain significance. Last evaluated: 2026-06-06. Review status: criteria provided, single submitter. Criteria: Ambry Variant Classification Scheme 2023. Collection method: clinical testing. Allele origin: germline.
Comment: The p.K834M variant (also known as c.2501A>T), located in coding exon 1 of the MLH3 gene, results from an A to T substitution at nucleotide position 2501. The lysine at codon 834 is replaced by methionine, an amino acid with similar properties. This amino acid position is conserved. In addition, this alteration is predicted to be tolerated by in silico analysis. Based on the available evidence, the clinical significance of this variant remains unclear.

NM_001040108.2(MLH3):c.2501A>T (p.Lys834Met)

Gene: MLH3 (mutL homolog 3; minus strand). Cytogenetic location: 14q24.3.
Variant type: single nucleotide variant.
Coding change: c.2501A>T on transcript NM_001040108.2 (MANE Select); coding-DNA position 2501, A replaced by T.
Protein change: p.Lys834Met; replaces lysine 834 with methionine.
Molecular consequence: missense variant.
Genome position (GRCh38, 1-based): chr14:75,047,155, T>A on the plus strand (A>T on the coding strand, the complement: MLH3 is on the minus strand). VCF-style: chr14-75047155-T-A. GRCh37 (hg19) VCF-style: chr14-75513858-T-A.
Other names: c.2501A>T, p.Lys834Met (NM_014381.3); short protein forms K834M.
Identifiers: ClinVar variation 4860229 (VCV004860229.1).
Genomic context (GRCh38, chr14:75,047,155, plus strand): 5'-TTCAGGGTCATAGGACTTTCTCTCAAACTAGGCATCTGTTGTTCTAAACAATCTTCATCC[T>A]TGGAGAATGGAAACTTCTCTGAGTTAAGGATGTGGCTTGCTGGTTGACAACTACTATCTG-3'
Protein context (NP_001035197.1, residues 824-844): ILNSEKFPFS[Lys834Met]DEDCLEQQMP